The following is an entry in ClinVar:

ClinVar aggregate classification (germline): Conflicting classifications of pathogenicity. Review status: criteria provided, conflicting classifications (1 of 4 stars). 14 submissions from 14 submitters: Uncertain significance (11); Benign (1); Likely benign (1). 1 of the submissions does not count toward it. Last evaluated 2026-10-12.

Conditions:
PALB2-related disorder. Also called: PALB2-related condition; PALB2-related disorders.
Hereditary cancer-predisposing syndrome. Also called: Hereditary Cancer Syndrome; Tumor predisposition; Hereditary neoplastic syndrome; Neoplastic Syndromes, Hereditary. Identifiers: Orphanet 140162, MedGen C0027672, MeSH D009386, MONDO:0015356.
Inherited breast cancer and ovarian cancer.
Familial cancer of breast. Also called: hereditary breast carcinoma; Hereditary breast cancer; BREAST CANCER, FAMILIAL. Identifiers: Orphanet 227535, MedGen C0346153, MONDO:0016419, OMIM 114480. Disease mechanism: loss of function.

gnomAD v4.1: 8 of 1,612,854 alleles (0.0005%); highest among the groups gnomAD compares: East Asian, 0.0022%; no homozygotes.

Submissions (14):

Genomics and Molecular Medicine Service, East Genomic Laboratory Hub, NHS Genomic Medicine Service
Classification: Uncertain significance for Inherited breast cancer and ovarian cancer. Last evaluated: 2026-10-12. Review status: criteria provided, single submitter. Criteria: ACGS Best Practice Guidelines for Variant Classification in Rare Disease 2020. Collection method: clinical testing. Allele origin: germline. Affected: yes.
Comment: BP1

Catlab - Consorci Sanitari de Terrassa
Classification: Uncertain significance for Hereditary cancer-predisposing syndrome. Last evaluated: 2026-01-27. Review status: criteria provided, single submitter. Criteria: ClinGen HBOP ACMG Specifications PALB2 V1.2.0. Collection method: clinical testing. Allele origin: germline.
Comment: Based on the currently available information, this variant is classified as Uncertain Significance according to ClinGen-PALB2 v1.2.0 guidelines. ACMG criteria: BP1, PM2_supp.

Labcorp Genetics (formerly Invitae), Labcorp
Classification: Uncertain significance for Familial cancer of breast. Last evaluated: 2025-08-04. Review status: criteria provided, single submitter. Criteria: Invitae Variant Classification Sherloc (09022015). Collection method: clinical testing. Allele origin: germline.
Comment: This sequence change replaces arginine, which is basic and polar, with cysteine, which is neutral and slightly polar, at codon 37 of the PALB2 protein (p.Arg37Cys). This variant is present in population databases (rs200048921, gnomAD 0.006%). This missense change has been observed in individual(s) with breast cancer (PMID: 33811135). ClinVar contains an entry for this variant (Variation ID: 220218). An algorithm developed to predict the effect of missense changes on protein structure and function (PolyPhen-2) suggests that this variant is likely to be disruptive. Experimental studies are conflicting or provide insufficient evidence to determine the effect of this variant on PALB2 function (PMID: 31636395, 33811135). In summary, the available evidence is currently insufficient to determine the role of this variant in disease. Therefore, it has been classified as a Variant of Uncertain Significance.

Myriad Genetics, Inc.
Classification: Likely benign for Familial cancer of breast. Last evaluated: 2025-07-21. Review status: criteria provided, single submitter. Criteria: Myriad Autosomal Dominant, Autosomal Recessive and X-Linked Classification Criteria (2023). Collection method: clinical testing. Allele origin: unknown.
Comment: This variant is considered likely benign. This variant is strongly associated with less severe personal and family histories of cancer, typical for individuals without pathogenic variants in this gene [PMID: 25085752].

Quest Diagnostics Nichols Institute San Juan Capistrano
Classification: Uncertain significance. Last evaluated: 2025-05-20. Review status: criteria provided, single submitter. Criteria: Quest Diagnostics criteria. Collection method: clinical testing. Allele origin: unknown.
Comment: The PALB2 c.109C>T (p.Arg37Cys) variant has been reported in the published literature in individuals with breast cancer (PMID: 26976419 (2016)). In case-control studies, this variant has been identified in both breast cancer cases and reportedly unaffected controls (PMIDs: 33471991 ((2021), see also LOVD), 33811135 (2022), 35884425 (2022)); however, one breast cancer and one pancreatic cancer study cite this variant in only reportedly unaffected controls (PMIDs: 30287823 (2018)), 32980694 (2020)). Assessment of experimental analysis yielded inconclusive results regarding the impact of this variant on protein function (PMIDs: 31636395 (2020), 33811135 (2022)). The frequency of this variant in the general population (Genome Aggregation Database) is uninformative in the assessment of its pathogenicity. Analysis of this variant using bioinformatics tools for the prediction of the effect of amino acid changes on protein structure and function yielded predictions that this variant is damaging. Based on the available information, we are unable to determine the clinical significance of this variant.

PreventionGenetics, part of Exact Sciences
Classification: Uncertain significance for PALB2-related condition. Last evaluated: 2025-04-02. Review status: criteria provided, single submitter. Criteria: ACMG Guidelines, 2015. Collection method: clinical testing. Allele origin: germline.
Comment: The PALB2 c.109C>T variant is predicted to result in the amino acid substitution p.Arg37Cys. This variant was reported as a variant of uncertain significance in patients with breast cancer (Wiltshire et al. 2019. PubMed ID: 31636395; Table A2, Tung et al. 2016. PubMed ID: 26976419; Ng et al. 2021. PubMed ID: 33811135) but has also been described in apparently healthy controls (Supplementary Data 1, Momozawa et al. 2018. PubMed ID: 30287823; Ng et al. 2021. PubMed ID: 33811135; Okawa et al. 2023. PubMed ID: 36243179, supplementary data). This variant is reported in 0.0054% of alleles in individuals of East Asian descent in gnomAD and is interpreted as a variant of uncertain significance in ClinVar by the majority of submitting labs. At this time, the clinical significance of this variant is uncertain due to the absence of conclusive functional and genetic evidence.

Color Diagnostics, LLC DBA Color Health
Classification: Uncertain significance for Hereditary cancer-predisposing syndrome. Last evaluated: 2024-12-23. Review status: criteria provided, single submitter. Criteria: ACMG Guidelines, 2015. Collection method: clinical testing. Allele origin: germline.
Comment: This missense variant replaces arginine with cysteine at codon 37 of the PALB2 protein. Computational prediction suggests that this variant may not impact protein structure and function. To our knowledge, functional studies have not been reported for this variant. This variant has been reported in an individual affected with breast cancer (PMID: 26976419) and also in three breast cancer case-control studies in which this variant was detected in 1/11241 unaffected individuals and absent in 7051 female breast cancer cases (PMID: 30287823) and in 3/60466 cases and 3/53461 unaffected individuals (PMID: 33471991; Leiden Open Variation Database DB-ID PALB2_010550) and in 1/7840 cases and 2/7928 healthy controls (PMID: 33811135). This variant also has been reported in a pancreatic cancer case-control study in 1/23705 unaffected individuals and absent in 1005 cases (PMID: 32980694). This variant also has been reported in a pancreatic cancer case-control study in 1/23705 unaffected individuals and absent in 1005 cases (PMID: 32980694). This variant has been identified in 1/251456 chromosomes in the general population by the Genome Aggregation Database (gnomAD). The available evidence is insufficient to determine the role of this variant in disease conclusively. Therefore, this variant is classified as a Variant of Uncertain Significance.

Ambry Genetics
Classification: Benign for Hereditary cancer-predisposing syndrome. Last evaluated: 2024-07-08. Review status: criteria provided, single submitter. Criteria: Ambry Variant Classification Scheme 2023. Collection method: clinical testing. Allele origin: germline.

Baylor Genetics
Classification: Uncertain significance for Familial cancer of breast. Last evaluated: 2023-10-06. Review status: criteria provided, single submitter. Criteria: ACMG Guidelines, 2015. Collection method: clinical testing. Allele origin: unknown.

Mendelics
Classification: Uncertain significance. Last evaluated: 2022-05-04. Review status: criteria provided, single submitter. Criteria: Mendelics Assertion Criteria 2019. Collection method: clinical testing. Allele origin: germline.

MGZ Medical Genetics Center
Classification: Uncertain significance for Familial cancer of breast. Last evaluated: 2021-11-22. Review status: criteria provided, single submitter. Criteria: ACMG Guidelines, 2015. Collection method: clinical testing. Allele origin: germline. Affected: yes. Observed: 1 variant allele.
Comment: ACMG criteria applied: PM2_SUP, BP4

ARUP Laboratories, Molecular Genetics and Genomics, ARUP Laboratories
Classification: Uncertain significance. Last evaluated: 2019-11-05. Review status: criteria provided, single submitter. Criteria: ARUP Molecular Germline Variant Investigation Process. Collection method: clinical testing. Allele origin: germline.
Comment: The PALB2 c.109C>T; p.Arg37Cys variant (rs200048921) is reported in the literature in at least one individual with breast cancer (Tung 2016), but is also reported in healthy controls (Momozawa 2018). This variant is reported in ClinVar (Variation ID: 220218). It is only observed on one allele in the Genome Aggregation Database, indicating it is not a common polymorphism. The arginine at codon 37 is highly conserved, and computational analyses (SIFT, PolyPhen-2) predict that this variant is deleterious. Additionally, two different variants at this codon (Arg37His, Arg37Ser) are reported in individuals with breast cancer (Foo 2017, Lerner-Ellis 2017), and the Arg37His variant protein was shown to have impaired homologous recombination-mediated DNA repair activity but unaffected PALB2-BRCA1 interaction (Lerner-Ellis 2017). Given the limited information regarding p.Arg37Cys, its clinical significance is uncertain at this time. REFERENCES Foo TK et al. Compromised BRCA1-PALB2 interaction is associated with breast cancer risk. Oncogene. 2017 Jul 20;36(29):4161-4170. Lerner-Ellis J et al. A high frequency of PALB2 mutations in Jamaican patients with breast cancer. Breast Cancer Res Treat. 2017 Apr;162(3):591-596. Momozawa Y et al. Germline pathogenic variants of 11 breast cancer genes in 7,051 Japanese patients and 11,241 controls. Nat Commun. 2018 Oct 4;9(1):4083. Tung N et al. Frequency of Germline Mutations in 25 Cancer Susceptibility Genes in a Sequential Series of Patients With Breast Cancer. J Clin Oncol. 2016 May 1;34(13):1460-8.

GeneDx
Classification: Uncertain significance. Last evaluated: 2017-11-28. Review status: criteria provided, single submitter. Criteria: GeneDx Variant Classification (06012015). Collection method: clinical testing. Allele origin: germline. Affected: yes.
Comment: This variant is denoted PALB2 c.109C>T at the cDNA level, p.Arg37Cys (R37C) at the protein level, and results in the change of an Arginine to a Cysteine (CGT>TGT). This variant was observed in at least one individual with breast cancer (Tung 2016). PALB2 Arg37Cys was not observed at a significant allele frequency in large population cohorts (Lek 2016). Since Arginine and Cysteine differ in polarity, charge, size or other properties, this is considered a non-conservative amino acid substitution. PALB2 Arg37Cys is located in regions of interaction with RAD51 and BRCA1 (Sy 2009, Buisson 2014). In-silico analyses, including protein predictors and evolutionary conservation, support a deleterious effect. Based on currently available evidence, it is unclear whether PALB2 Arg37Cys is a pathogenic or benign variant. We consider it to be a variant of uncertain significance.

Leiden Open Variation Database
Classification: Uncertain significance. Last evaluated: 2018-10-10. Review status: no assertion criteria provided. Collection method: curation. Allele origin: germline. Affected: yes. Not counted in ClinVar's aggregate classification.
Comment: Curators: Marc Tischkowitz, Arleen D. Auerbach. Submitter to LOVD: Yukihide Momozawa.

Literature cited by the submitters: PubMed 33811135 (cited by 4 submitters); PubMed 31636395 (cited by 3 submitters); PubMed 25085752 (cited by Myriad Genetics, Inc.); PubMed 26976419 (cited by 3 submitters); PubMed 33471991 (cited by Quest Diagnostics Nichols Institute San Juan Capistrano and Color Diagnostics, LLC DBA Color Health); PubMed 36139699 (cited by Quest Diagnostics Nichols Institute San Juan Capistrano); PubMed 35884425 (cited by Quest Diagnostics Nichols Institute San Juan Capistrano); PubMed 32980694 (cited by Quest Diagnostics Nichols Institute San Juan Capistrano and Color Diagnostics, LLC DBA Color Health); PubMed 30287823 (cited by 4 submitters); PubMed 23935836 (cited by Ambry Genetics); PubMed 28678401 (cited by Ambry Genetics).

NM_024675.4(PALB2):c.109C>T (p.Arg37Cys)

Gene: PALB2 (partner and localizer of BRCA2; minus strand). Cytogenetic location: 16p12.2.
Variant type: single nucleotide variant.
Coding change: c.109C>T on transcript NM_024675.4 (MANE Select); coding-DNA position 109, C replaced by T.
Protein change: p.Arg37Cys; replaces arginine 37 with cysteine.
Molecular consequence: missense variant.
Genome position (GRCh38, 1-based): chr16:23,637,952, G>A on the plus strand (C>T on the coding strand, the complement: PALB2 is on the minus strand). VCF-style: chr16-23637952-G-A. GRCh37 (hg19) VCF-style: chr16-23649273-G-A.
Other names: short protein forms R37C.
Identifiers: ClinVar variation 220218 (VCV000220218.42), dbSNP rs200048921, ClinGen allele CA348301.